The following is an entry in ClinVar:

NM_001384474.1(LOXHD1):c.4525G>A (p.Gly1509Arg)

Gene: LOXHD1 (lipoxygenase homology PLAT domains 1; minus strand). Cytogenetic location: 18q21.1.
Variant type: single nucleotide variant.
Coding change: c.4525G>A on transcript NM_001384474.1 (MANE Select); coding-DNA position 4525, G replaced by A.
Protein change: p.Gly1509Arg; replaces glycine 1509 with arginine.
Molecular consequence: missense variant.
Genome position (GRCh38, 1-based): chr18:46,529,182, C>T on the plus strand (G>A on the coding strand, the complement: LOXHD1 is on the minus strand). VCF-style: chr18-46529182-C-T. GRCh37 (hg19) VCF-style: chr18-44109145-C-T.
Other names: c.1192G>A, p.Gly398Arg (NM_001145472.3); c.904G>A, p.Gly302Arg (NM_001308013.2); c.4525G>A, p.Gly1509Arg (NM_144612.7); short protein forms G1509R, G302R, G398R.
Identifiers: ClinVar variation 180062 (VCV000180062.4), dbSNP rs727505320, ClinGen allele CA185729.

ClinVar aggregate classification (germline): Uncertain significance (1 of 4 stars; one submission).

Submission:

Laboratory for Molecular Medicine, Mass General Brigham Personalized Medicine
Classification: Uncertain significance. Last evaluated: 2014-11-07. Review status: criteria provided, single submitter. Criteria: LMM Criteria. Collection method: clinical testing. Allele origin: germline. Observed: 1 variant allele.
Comment: The p.Gly1509Arg variant in LOXHD1 has not been previously reported in individua ls with hearing loss and was absent from large population studies. Another varia nt at the same residue in LOXHD1 (p.Gly1509Glu) meets our criteria to be classif ied as likely benign, suggesting that a change at this amino acid position may b e tolerated. However, computational prediction tools and conservation analysis d o not provide strong support for or against an impact to the protein. In summary , the clinical significance of the p.Gly1509Arg variant is uncertain.